The following is an entry in ClinVar:

ClinVar aggregate classification (germline): Pathogenic (1 of 4 stars; one submission).

Conditions:
Familial adenomatous polyposis 1 (FAP1). Also called: POLYPOSIS, ADENOMATOUS INTESTINAL; FAMILIAL ADENOMATOUS POLYPOSIS 1, ATTENUATED. Identifiers: MedGen C2713442, MONDO:0021056, OMIM 175100. Disease mechanism: loss of function.

Submission:

Labcorp Genetics (formerly Invitae), Labcorp
Classification: Pathogenic for Familial adenomatous polyposis 1. Last evaluated: 2021-02-28. Review status: criteria provided, single submitter. Criteria: Invitae Variant Classification Sherloc (09022015). Collection method: clinical testing. Allele origin: germline.
Comment: This sequence change creates a premature translational stop signal (p.Tyr1075Ilefs*51) in the APC gene. While this is not anticipated to result in nonsense mediated decay, it is expected to disrupt the last 1769 amino acid(s) of the APC protein. This variant is not present in population databases (ExAC no frequency). This variant has not been reported in the literature in individuals with APC-related conditions. This variant is expected to disrupt the EB1 and HDLG binding sites, which mediate interactions with the cytoskeleton (PMID: 15311282, 17293347). While functional studies have not been performed to directly test the effect on APC protein function, this suggests that disruption of the C-terminal portion of the protein is functionally important. For these reasons, this variant has been classified as Pathogenic. A different truncation (p.Tyr2645Lysfs*14) that lies downstream of this variant has been determined to be pathogenic (PMID: 9824584, 1316610, 27081525, 8381579, 22135120, Invitae). This suggests that deletion of this region of the APC protein is causative of disease.

Literature cited by the submitters: PubMed 15311282; PubMed 17293347; PubMed 9824584; PubMed 1316610; PubMed 27081525; PubMed 8381579; PubMed 22135120.

NM_000038.6(APC):c.3223del (p.Tyr1075fs)

Gene: APC (APC regulator of Wnt signaling pathway; plus strand). Cytogenetic location: 5q22.2.
Variant type: Deletion.
Coding change: c.3223del on transcript NM_000038.6 (MANE Select); coding-DNA position 3223, one base deleted (T; older notation c.3223delT).
Protein change: p.Tyr1075fs; shifts the reading frame from tyrosine 1075.
Molecular consequence: frameshift variant.
Genome position (GRCh38, 1-based): chr5:112,838,817, T deleted; the last of 2 consecutive T bases (chr5:112,838,816-112,838,817); deleting either gives the same sequence. VCF-style (leftmost placement, unchanged base first): chr5-112838815-CT-C. GRCh37 (hg19) VCF-style: chr5-112174512-CT-C.
Other names: c.3223del, p.Tyr1075fs (NM_001127510.3, NM_001354895.2); c.3169del, p.Tyr1057fs (NM_001127511.3); c.3277del, p.Tyr1093fs (NM_001354896.2); c.3253del, p.Tyr1085fs (NM_001354897.2); c.3148del, p.Tyr1050fs (NM_001354898.2); c.3139del, p.Tyr1047fs (NM_001354899.2); c.3100del, p.Tyr1034fs (NM_001354900.2); c.3046del, p.Tyr1016fs (NM_001354901.2); and 5 more; short protein forms Y1016fs, Y1034fs, Y1057fs, Y792fs, Y915fs, Y1047fs, Y1050fs, Y1075fs.
Identifiers: ClinVar variation 1456716 (VCV001456716.8), dbSNP rs2149887251, ClinGen allele CA2573138675.